The following is an entry in ClinVar:

ClinVar aggregate classification (germline): Uncertain significance (1 of 4 stars; one submission).

Allele frequency attached by ClinVar (database versions not stated): ExAC 0.00002; gnomAD 0.00003; TOPMed 0.00003.
gnomAD v4.1: 4 of 1,613,578 alleles (0.00025%); highest among the groups gnomAD compares: African/African-American, 0.004%; no homozygotes.

Submission:

Labcorp Genetics (formerly Invitae), Labcorp
Classification: Uncertain significance. Last evaluated: 2023-07-21. Review status: criteria provided, single submitter. Criteria: Invitae Variant Classification Sherloc (09022015). Collection method: clinical testing. Allele origin: germline.
Comment: In summary, the available evidence is currently insufficient to determine the role of this variant in disease. Therefore, it has been classified as a Variant of Uncertain Significance. Experimental studies and prediction algorithms are not available or were not evaluated, and the functional significance of this variant is currently unknown. ClinVar contains an entry for this variant (Variation ID: 1922737). This variant has not been reported in the literature in individuals affected with PCLO-related conditions. This variant is present in population databases (rs767240529, gnomAD 0.004%). This sequence change replaces isoleucine, which is neutral and non-polar, with methionine, which is neutral and non-polar, at codon 2226 of the PCLO protein (p.Ile2226Met).

NM_033026.6(PCLO):c.6678T>G (p.Ile2226Met)

Gene: PCLO (piccolo presynaptic cytomatrix protein; minus strand). Cytogenetic location: 7q21.11.
Variant type: single nucleotide variant.
Coding change: c.6678T>G on transcript NM_033026.6 (MANE Select); coding-DNA position 6678, T replaced by G.
Protein change: p.Ile2226Met; replaces isoleucine 2226 with methionine.
Molecular consequence: missense variant.
Genome position (GRCh38, 1-based): chr7:82,954,275, A>C on the plus strand (T>G on the coding strand, the complement: PCLO is on the minus strand). VCF-style: chr7-82954275-A-C. GRCh37 (hg19) VCF-style: chr7-82583591-A-C.
Other names: c.6678T>G, p.Ile2226Met (NM_014510.3); short protein forms I2226M.
Identifiers: ClinVar variation 1922737 (VCV001922737.3), dbSNP rs767240529, ClinGen allele CA4320424.